The following is an entry in ClinVar:

NM_000548.5(TSC2):c.4443G>C (p.Lys1481Asn)

Gene: TSC2 (TSC complex subunit 2; plus strand). Cytogenetic location: 16p13.3.
Variant type: single nucleotide variant.
Coding change: c.4443G>C on transcript NM_000548.5 (MANE Select); coding-DNA position 4443, G replaced by C.
Protein change: p.Lys1481Asn; replaces lysine 1481 with asparagine.
Molecular consequence: missense variant.
Genome position (GRCh38, 1-based): chr16:2,084,665, G>C. VCF-style: chr16-2084665-G-C. GRCh37 (hg19) VCF-style: chr16-2134666-G-C.
Other names: c.4242G>C, p.Lys1414Asn (NM_001077183.3); c.4374G>C, p.Lys1458Asn (NM_001114382.3); c.4134G>C, p.Lys1378Asn (NM_001318827.2); c.4098G>C, p.Lys1366Asn (NM_001318829.2); c.3711G>C, p.Lys1237Asn (NM_001318831.2); c.4275G>C, p.Lys1425Asn (NM_001318832.2); c.4245G>C, p.Lys1415Asn (NM_001363528.2); c.4311G>C, p.Lys1437Asn (NM_001370404.1); and 1 more; short protein forms K1237N, K1366N, K1378N, K1414N, K1415N, K1425N, K1437N, K1438N.
Identifiers: ClinVar variation 1019590 (VCV001019590.9), dbSNP rs2090538903, ClinGen allele CA394302343.

ClinVar aggregate classification (germline): Uncertain significance (1 of 4 stars; one submission).

Conditions:
Tuberous sclerosis 2 (TSC2). Identifiers: Orphanet 805, MedGen C1860707, MONDO:0013199, OMIM 613254.

Submission:

Labcorp Genetics (formerly Invitae), Labcorp
Classification: Uncertain significance for Tuberous sclerosis 2. Last evaluated: 2020-01-15. Review status: criteria provided, single submitter. Criteria: Invitae Variant Classification Sherloc (09022015). Collection method: clinical testing. Allele origin: germline.
Comment: In summary, the available evidence is currently insufficient to determine the role of this variant in disease. Therefore, it has been classified as a Variant of Uncertain Significance. Algorithms developed to predict the effect of missense changes on protein structure and function are either unavailable or do not agree on the potential impact of this missense change (SIFT: "Deleterious"; PolyPhen-2: "Benign"; Align-GVGD: "Class C0"). This variant has not been reported in the literature in individuals with TSC2-related conditions. This variant is not present in population databases (ExAC no frequency). This sequence change replaces lysine with asparagine at codon 1481 of the TSC2 protein (p.Lys1481Asn). The lysine residue is moderately conserved and there is a moderate physicochemical difference between lysine and asparagine.